The following is an entry in ClinVar:

ClinVar aggregate classification (germline): Uncertain significance (1 of 4 stars; one submission).

Submission:

Labcorp Genetics (formerly Invitae), Labcorp
Classification: Uncertain significance. Last evaluated: 2024-11-04. Review status: criteria provided, single submitter. Criteria: Invitae Variant Classification Sherloc (09022015). Collection method: clinical testing. Allele origin: germline.
Comment: This sequence change replaces histidine, which is basic and polar, with leucine, which is neutral and non-polar, at codon 958 of the NOTCH3 protein (p.His958Leu). This variant is not present in population databases (gnomAD no frequency). This variant has not been reported in the literature in individuals affected with NOTCH3-related conditions. Invitae Evidence Modeling of protein sequence and biophysical properties (such as structural, functional, and spatial information, amino acid conservation, physicochemical variation, residue mobility, and thermodynamic stability) indicates that this missense variant is not expected to disrupt NOTCH3 protein function with a negative predictive value of 95%. In summary, the available evidence is currently insufficient to determine the role of this variant in disease. Therefore, it has been classified as a Variant of Uncertain Significance.

NM_000435.3(NOTCH3):c.2873A>T (p.His958Leu)

Gene: NOTCH3 (notch receptor 3; minus strand). Cytogenetic location: 19p13.12.
Variant type: single nucleotide variant.
Coding change: c.2873A>T on transcript NM_000435.3 (MANE Select); coding-DNA position 2873, A replaced by T.
Protein change: p.His958Leu; replaces histidine 958 with leucine.
Molecular consequence: missense variant.
Genome position (GRCh38, 1-based): chr19:15,181,082, T>A on the plus strand (A>T on the coding strand, the complement: NOTCH3 is on the minus strand). VCF-style: chr19-15181082-T-A. GRCh37 (hg19) VCF-style: chr19-15291893-T-A.
Other names: short protein forms H958L.
Identifiers: ClinVar variation 3636204 (VCV003636204.2).